The following is an entry in ClinVar:

NM_001378454.1(ALMS1):c.10792T>G (p.Leu3598Val)

Gene: ALMS1 (ALMS1 centrosome and basal body associated protein; plus strand). Cytogenetic location: 2p13.1.
Variant type: single nucleotide variant.
Coding change: c.10792T>G on transcript NM_001378454.1 (MANE Select); coding-DNA position 10792, T replaced by G.
Protein change: p.Leu3598Val; replaces leucine 3598 with valine.
Molecular consequence: missense variant.
Genome position (GRCh38, 1-based): chr2:73,572,669, T>G. VCF-style: chr2-73572669-T-G. GRCh37 (hg19) VCF-style: chr2-73799796-T-G.
Other names: c.10795T>G, p.Leu3599Val (NM_015120.4); short protein forms L3599V, L3598V.
Identifiers: ClinVar variation 2141271 (VCV002141271.4), dbSNP rs2104105156, ClinGen allele CA347285522.

ClinVar aggregate classification (germline): Uncertain significance. Review status: criteria provided, multiple submitters, no conflicts (2 of 4 stars). 2 submissions from 2 submitters: Uncertain significance (2). Last evaluated 2025-12-16.

Conditions:
Cardiovascular phenotype. Identifiers: MedGen CN230736.
Alstrom syndrome (ALMS). Identifiers: Orphanet 64, MedGen C0268425, MONDO:0008763, OMIM 203800.

Submissions (2):

Labcorp Genetics (formerly Invitae), Labcorp
Classification: Uncertain significance for Alstrom syndrome. Last evaluated: 2025-12-16. Review status: criteria provided, single submitter. Criteria: Invitae Variant Classification Sherloc (09022015). Collection method: clinical testing. Allele origin: germline.
Comment: This sequence change replaces leucine, which is neutral and non-polar, with valine, which is neutral and non-polar, at codon 3599 of the ALMS1 protein (p.Leu3599Val). This variant is not present in population databases (gnomAD no frequency). This variant has not been reported in the literature in individuals affected with ALMS1-related conditions. ClinVar contains an entry for this variant (Variation ID: 2141271). Experimental studies and prediction algorithms are not available or were not evaluated, and the functional significance of this variant is currently unknown. In summary, the available evidence is currently insufficient to determine the role of this variant in disease. Therefore, it has been classified as a Variant of Uncertain Significance.

Ambry Genetics
Classification: Uncertain significance for Cardiovascular phenotype. Last evaluated: 2022-11-30. Review status: criteria provided, single submitter. Criteria: Ambry Variant Classification Scheme 2023. Collection method: clinical testing. Allele origin: germline.
Comment: The p.L3599V variant (also known as c.10795T>G), located in coding exon 16 of the ALMS1 gene, results from a T to G substitution at nucleotide position 10795. The leucine at codon 3599 is replaced by valine, an amino acid with highly similar properties. This amino acid position is highly conserved in available vertebrate species. In addition, this alteration is predicted to be tolerated by in silico analysis. Since supporting evidence is limited at this time, the clinical significance of this alteration remains unclear.